The following is an entry in ClinVar:

NM_001206927.2(DNAH8):c.2159A>T (p.Asp720Val)

Gene: DNAH8 (dynein axonemal heavy chain 8; plus strand). Cytogenetic location: 6p21.2.
Variant type: single nucleotide variant.
Coding change: c.2159A>T on transcript NM_001206927.2 (MANE Select); coding-DNA position 2159, A replaced by T.
Protein change: p.Asp720Val; replaces aspartic acid 720 with valine.
Molecular consequence: missense variant.
Genome position (GRCh38, 1-based): chr6:38,781,273, A>T. VCF-style: chr6-38781273-A-T. GRCh37 (hg19) VCF-style: chr6-38749049-A-T.
Other names: c.1508A>T, p.Asp503Val (NM_001371.4); short protein forms D720V, D503V.
Identifiers: ClinVar variation 525380 (VCV000525380.10), dbSNP rs138373981, ClinGen allele CA3788435.

ClinVar aggregate classification (germline): Uncertain significance. Review status: criteria provided, multiple submitters, no conflicts (2 of 4 stars). 2 submissions from 2 submitters: Uncertain significance (2). Last evaluated 2025-01-02.

Conditions:
Primary ciliary dyskinesia. Also called: Ciliary dyskinesia. Identifiers: Orphanet 244, MedGen C0008780, MONDO:0016575, HP:0012265.

Allele frequency attached by ClinVar (database versions not stated): gnomAD exomes 0.00001 and 0.00004; ExAC 0.00007; TOPMed 0.00012; gnomAD 0.00013 and 0.00014; ESP Exome Variant Server 0.00031.
gnomAD v4.1: 33 of 1,613,794 alleles (0.002%); highest among the groups gnomAD compares: African/African-American, 0.036%; no homozygotes.

Submissions (2):

Ambry Genetics
Classification: Uncertain significance. Last evaluated: 2025-01-02. Review status: criteria provided, single submitter. Criteria: Ambry Variant Classification Scheme 2023. Collection method: clinical testing. Allele origin: germline.

Labcorp Genetics (formerly Invitae), Labcorp
Classification: Uncertain significance for Primary ciliary dyskinesia. Last evaluated: 2022-06-04. Review status: criteria provided, single submitter. Criteria: Invitae Variant Classification Sherloc (09022015). Collection method: clinical testing. Allele origin: germline.
Comment: This sequence change replaces aspartic acid, which is acidic and polar, with valine, which is neutral and non-polar, at codon 720 of the DNAH8 protein (p.Asp720Val). This variant is present in population databases (rs138373981, gnomAD 0.05%). This variant has not been reported in the literature in individuals affected with DNAH8-related conditions. ClinVar contains an entry for this variant (Variation ID: 525380). Algorithms developed to predict the effect of missense changes on protein structure and function are either unavailable or do not agree on the potential impact of this missense change (SIFT: "Deleterious"; PolyPhen-2: "Not Available"; Align-GVGD: "Class C0"). Algorithms developed to predict the effect of sequence changes on RNA splicing suggest that this variant may disrupt the consensus splice site. In summary, the available evidence is currently insufficient to determine the role of this variant in disease. Therefore, it has been classified as a Variant of Uncertain Significance.